The following is an entry in ClinVar:

ClinVar aggregate classification (germline): Conflicting classifications of pathogenicity. Review status: criteria provided, conflicting classifications (1 of 4 stars). 2 submissions from 2 submitters: Likely pathogenic (1); Uncertain significance (1). Last evaluated 2023-05-25.

Conditions:
Hypertrophic cardiomyopathy. Also called: HYPERTROPHIC MYOCARDIOPATHY. Identifiers: Orphanet 217569, MedGen C0007194, MeSH D002312, MONDO:0005045, HP:0001639.

Submissions (2):

Labcorp Genetics (formerly Invitae), Labcorp
Classification: Likely pathogenic for Hypertrophic cardiomyopathy. Last evaluated: 2023-05-25. Review status: criteria provided, single submitter. Criteria: Invitae Variant Classification Sherloc (09022015). Collection method: clinical testing. Allele origin: germline.
Comment: In summary, the currently available evidence indicates that the variant is pathogenic, but additional data are needed to prove that conclusively. Therefore, this variant has been classified as Likely Pathogenic. This variant disrupts the p.Gly716 amino acid residue in MYH7. Other variant(s) that disrupt this residue have been determined to be pathogenic (PMID: 9062359, 12084606, 12707239, 12975413, 20031618, 20624503, 23283745, 24093860, 25935763). This suggests that this residue is clinically significant, and that variants that disrupt this residue are likely to be disease-causing. Advanced modeling of protein sequence and biophysical properties (such as structural, functional, and spatial information, amino acid conservation, physicochemical variation, residue mobility, and thermodynamic stability) performed at Invitae indicates that this missense variant is expected to disrupt MYH7 protein function. ClinVar contains an entry for this variant (Variation ID: 454350). This missense change has been observed in individual(s) with clinical features of MYH7-related conditions (Invitae). This sequence change replaces glycine, which is neutral and non-polar, with glutamic acid, which is acidic and polar, at codon 716 of the MYH7 protein (p.Gly716Glu). This variant is not present in population databases (gnomAD no frequency).

Laboratory for Molecular Medicine, Mass General Brigham Personalized Medicine
Classification: Uncertain significance. Last evaluated: 2016-05-06. Review status: criteria provided, single submitter. Criteria: LMM Criteria. Collection method: clinical testing. Allele origin: germline. Observed: 1 variant allele.
Comment: Variant classified as Uncertain Significance - Favor Pathogenic. The p.Gly716Glu variant in MYH7 has not been previously reported in individuals with cardiomyop athy or in large population studies. However, another disease-causing variant at the same position (p.Gly716Arg) has been reported in individuals with HCM, sugg esting changes at this position are not tolerated. Additionally, this variant wa s predicted to be pathogenic using a computational tool clinically validated by our laboratory. This tool's pathogenic prediction is estimated to be correct 94% of the time (Jordan 2011). In summary, while there is some suspicion for a path ogenic role, the clinical significance of the p.Gly716Glu variant is uncertain.

Literature cited by the submitters: PubMed 9062359 (cited by Labcorp Genetics (formerly Invitae), Labcorp); PubMed 12084606 (cited by Labcorp Genetics (formerly Invitae), Labcorp); PubMed 12707239 (cited by Labcorp Genetics (formerly Invitae), Labcorp); PubMed 12975413 (cited by Labcorp Genetics (formerly Invitae), Labcorp); PubMed 20031618 (cited by Labcorp Genetics (formerly Invitae), Labcorp); PubMed 20624503 (cited by Labcorp Genetics (formerly Invitae), Labcorp); PubMed 23283745 (cited by Labcorp Genetics (formerly Invitae), Labcorp); PubMed 24093860 (cited by Labcorp Genetics (formerly Invitae), Labcorp); PubMed 25935763 (cited by Labcorp Genetics (formerly Invitae), Labcorp).

NM_000257.4(MYH7):c.2147G>A (p.Gly716Glu)

Gene: MYH7 (myosin heavy chain 7; minus strand). Cytogenetic location: 14q11.2.
Variant type: single nucleotide variant.
Coding change: c.2147G>A on transcript NM_000257.4 (MANE Select); coding-DNA position 2147, G replaced by A.
Protein change: p.Gly716Glu; replaces glycine 716 with glutamic acid.
Molecular consequence: missense variant.
Genome position (GRCh38, 1-based): chr14:23,425,979, C>T on the plus strand (G>A on the coding strand, the complement: MYH7 is on the minus strand). VCF-style: chr14-23425979-C-T. GRCh37 (hg19) VCF-style: chr14-23895188-C-T.
Other names: short protein forms G716E.
Identifiers: ClinVar variation 454350 (VCV000454350.11), dbSNP rs1555337912, ClinGen allele CA389049032.
Genomic context (GRCh38, chr14:23,425,979, plus strand): 5'-CTGGCTCCCCCTGTTCTATGAGCTCTGGTGCACCCTCATACCCACCTCTGCCGGAAGTCC[C>T]CGTAGAGGATGCGGTTGGGGAAGCCTTTCCTGCAGATGCGGATGCCCTCCAGCACACCAT-3'
Protein context (NP_000248.2, residues 706-726): RKGFPNRILY[Gly716Glu]DFRQRYRILN